The following is an entry in ClinVar:

ClinVar aggregate classification (germline): Uncertain significance (1 of 4 stars; one submission).

Allele frequency attached by ClinVar (database versions not stated): ExAC 0.00001.
gnomAD v4.1: 8 of 1,607,446 alleles (0.0005%); highest among the groups gnomAD compares: Middle Eastern, 0.05%; no homozygotes.

Submission:

GeneDx
Classification: Uncertain significance. Last evaluated: 2019-04-29. Review status: criteria provided, single submitter. Criteria: GeneDx Variant Classification Process June 2021. Collection method: clinical testing. Allele origin: germline. Affected: yes.
Comment: Not observed in large population cohorts (Lek et al., 2016); In silico analysis, which includes protein predictors and evolutionary conservation, supports that this variant does not alter protein structure/function; Has not been previously published as pathogenic or benign to our knowledge

NM_014727.3(KMT2B):c.6236G>T (p.Arg2079Leu)

Gene: KMT2B (lysine methyltransferase 2B; plus strand). Cytogenetic location: 19q13.12.
Variant type: single nucleotide variant.
Coding change: c.6236G>T on transcript NM_014727.3 (MANE Select); coding-DNA position 6236, G replaced by T.
Protein change: p.Arg2079Leu; replaces arginine 2079 with leucine.
Molecular consequence: missense variant.
Genome position (GRCh38, 1-based): chr19:35,732,785, G>T. VCF-style: chr19-35732785-G-T. GRCh37 (hg19) VCF-style: chr19-36223686-G-T.
Other names: short protein forms R2079L.
Identifiers: ClinVar variation 1305154 (VCV001305154.2), dbSNP rs775158252, ClinGen allele CA9385641.
Genomic context (GRCh38, chr19:35,732,785, plus strand): 5'-AACAGCTGGACGGCGTGGACGACGGCACTGACAGTGAGGCTGAGGCGGTGCAGCAGCCTC[G>T]GGGCCAGGGCACGCCTCCTTCGGGGCCAGGAGTAGTCCGGGCAGGGGTCCTTGGGGCTGC-3'
Protein context (NP_055542.1, residues 2069-2089): DSEAEAVQQP[Arg2079Leu]GQGTPPSGPG